The following is an entry in ClinVar:

ClinVar aggregate classification (germline): Uncertain significance (1 of 4 stars; one submission).

Conditions:
Familial hemiplegic migraine. Identifiers: MedGen C0338484, MONDO:0000700.

Allele frequency attached by ClinVar (database versions not stated): gnomAD 0.00001.
gnomAD v4.1: 1 of 1,614,100 alleles (0.000062%); highest among the groups gnomAD compares: African/African-American, 0.0013%; no homozygotes.

Submission:

Labcorp Genetics (formerly Invitae), Labcorp
Classification: Uncertain significance for Familial hemiplegic migraine. Last evaluated: 2024-03-04. Review status: criteria provided, single submitter. Criteria: Invitae Variant Classification Sherloc (09022015). Collection method: clinical testing. Allele origin: germline.
Comment: This sequence change replaces proline, which is neutral and non-polar, with serine, which is neutral and polar, at codon 592 of the ATP1A2 protein (p.Pro592Ser). This variant is not present in population databases (gnomAD no frequency). This variant has not been reported in the literature in individuals affected with ATP1A2-related conditions. ClinVar contains an entry for this variant (Variation ID: 2015631). Advanced modeling of protein sequence and biophysical properties (such as structural, functional, and spatial information, amino acid conservation, physicochemical variation, residue mobility, and thermodynamic stability) performed at Invitae indicates that this missense variant is expected to disrupt ATP1A2 protein function with a positive predictive value of 80%. In summary, the available evidence is currently insufficient to determine the role of this variant in disease. Therefore, it has been classified as a Variant of Uncertain Significance.

NM_000702.4(ATP1A2):c.1774C>T (p.Pro592Ser)

Gene: ATP1A2 (ATPase Na+/K+ transporting subunit alpha 2; plus strand). Cytogenetic location: 1q23.2.
Variant type: single nucleotide variant.
Coding change: c.1774C>T on transcript NM_000702.4 (MANE Select); coding-DNA position 1774, C replaced by T.
Protein change: p.Pro592Ser; replaces proline 592 with serine.
Molecular consequence: missense variant.
Genome position (GRCh38, 1-based): chr1:160,130,544, C>T. VCF-style: chr1-160130544-C-T. GRCh37 (hg19) VCF-style: chr1-160100334-C-T.
Other names: short protein forms P592S.
Identifiers: ClinVar variation 2015631 (VCV002015631.4), dbSNP rs1651740226, ClinGen allele CA343244410.